The following is an entry in ClinVar:

NM_001655.5(ARCN1):c.21G>A (p.Ala7=)

Gene: ARCN1 (archain 1 coat protein complex I subunit delta; plus strand). Cytogenetic location: 11q23.3.
Variant type: single nucleotide variant.
Coding change: c.21G>A on transcript NM_001655.5 (MANE Select); coding-DNA position 21, G replaced by A.
Protein change: p.Ala7=; no amino-acid change (alanine 7 retained).
Molecular consequence: synonymous variant. On other transcripts: intron variant (1).
Genome position (GRCh38, 1-based): chr11:118,581,263, G>A. VCF-style: chr11-118581263-G-A. GRCh37 (hg19) VCF-style: chr11-118451978-G-A.
Other names: c.4-1916G>A (NM_001142281.2).
Identifiers: ClinVar variation 1577372 (VCV001577372.9), dbSNP rs142869705, ClinGen allele CA6305999.

ClinVar aggregate classification (germline): Likely benign. Review status: criteria provided, multiple submitters, no conflicts (2 of 4 stars). 2 submissions from 2 submitters: Likely benign (2). Last evaluated 2026-09-01.

Allele frequency attached by ClinVar (database versions not stated): gnomAD exomes 0.00002; ExAC 0.00004; 1000 Genomes Project 30x 0.00016; 1000 Genomes Project 0.00020.
gnomAD v4.1: 60 of 1,614,194 alleles (0.0037%); highest among the groups gnomAD compares: East Asian, 0.094%; no homozygotes.

Submissions (2):

CeGaT Center for Human Genetics Tuebingen
Classification: Likely benign. Last evaluated: 2026-09-01. Review status: criteria provided, single submitter. Criteria: CeGaT Center For Human Genetics Tuebingen Variant Classification Criteria Version 2. Collection method: clinical testing. Allele origin: germline. Affected: yes. Observed: 1 variant allele.
Comment: ARCN1: BP4, BP7

Labcorp Genetics (formerly Invitae), Labcorp
Classification: Likely benign. Last evaluated: 2025-01-05. Review status: criteria provided, single submitter. Criteria: Invitae Variant Classification Sherloc (09022015). Collection method: clinical testing. Allele origin: germline.